The following is an entry in ClinVar:

ClinVar aggregate classification (germline): Uncertain significance. Review status: criteria provided, multiple submitters, no conflicts (2 of 4 stars). 5 submissions from 5 submitters: Uncertain significance (5). Last evaluated 2025-01-15.

Conditions:
Immunodeficiency 105 (IMD105). Also called: Immunodeficiency 105, severe combined. Identifiers: MedGen C5677005, MONDO:0800104, OMIM 619924.
PTPRC-related disorder. Also called: PTPRC-related condition.
Hepatitis C virus, susceptibility to. Also called: HCV, SUSCEPTIBILITY TO. Identifiers: MedGen C1835407, MONDO:0012292, OMIM 609532.
Immunodeficiency 104. Also called: SCID, AUTOSOMAL RECESSIVE, T CELL-NEGATIVE, B CELL-POSITIVE, NK CELL-POSITIVE; IMMUNODEFICIENCY 104, SEVERE COMBINED; Severe combined immunodeficiency, autosomal recessive, T cell-negative, B cell-positive, NK cell-positive; Severe Combined Immune Deficiency, Autosomal Recessive, TCell -Negative, B Cell-Positive, NK Cell-Positive, IL7R-Related. Identifiers: MedGen C5676890, MONDO:0012163, OMIM 608971.

Allele frequency attached by ClinVar (database versions not stated): 1000 Genomes Project 0.00040; ExAC 0.00046; 1000 Genomes Project 30x 0.00047; TOPMed 0.00057; gnomAD 0.00062 and 0.00063; ESP Exome Variant Server 0.00092.
gnomAD v4.1: 1,484 of 1,606,130 alleles (0.092%); highest among the groups gnomAD compares: Non-Finnish European, 0.12%; 1 homozygote.

Submissions (5):

PreventionGenetics, part of Exact Sciences
Classification: Uncertain significance for PTPRC-related condition. Last evaluated: 2025-01-15. Review status: criteria provided, single submitter. Criteria: ACMG Guidelines, 2015. Collection method: clinical testing. Allele origin: germline.
Comment: The PTPRC c.982A>G variant is predicted to result in the amino acid substitution p.Ile328Val. To our knowledge, this variant has not been reported in the literature. This variant is reported in 0.096% of alleles in individuals of European (Non-Finnish) descent in gnomAD. At this time, the clinical significance of this variant is uncertain due to the absence of conclusive functional and genetic evidence.

Blueprint Genetics
Classification: Uncertain significance. Last evaluated: 2024-09-16. Review status: criteria provided, single submitter. Criteria: ACMG Guidelines, 2015. Collection method: clinical testing. Allele origin: germline.

ARUP Laboratories, Molecular Genetics and Genomics, ARUP Laboratories
Classification: Uncertain significance for Immunodeficiency 105. Last evaluated: 2023-10-02. Review status: criteria provided, single submitter. Criteria: ARUP Molecular Germline Variant Investigation Process 2024. Collection method: clinical testing. Allele origin: germline.

Labcorp Genetics (formerly Invitae), Labcorp
Classification: Uncertain significance for Immunodeficiency 104. Last evaluated: 2022-10-30. Review status: criteria provided, single submitter. Criteria: Invitae Variant Classification Sherloc (09022015). Collection method: clinical testing. Allele origin: germline.
Comment: This sequence change replaces isoleucine, which is neutral and non-polar, with valine, which is neutral and non-polar, at codon 328 of the PTPRC protein (p.Ile328Val). This variant is present in population databases (rs41314039, gnomAD 0.09%), and has an allele count higher than expected for a pathogenic variant. This variant has not been reported in the literature in individuals affected with PTPRC-related conditions. ClinVar contains an entry for this variant (Variation ID: 440228). Algorithms developed to predict the effect of missense changes on protein structure and function (SIFT, PolyPhen-2, Align-GVGD) all suggest that this variant is likely to be tolerated. In summary, the available evidence is currently insufficient to determine the role of this variant in disease. Therefore, it has been classified as a Variant of Uncertain Significance.

Fulgent Genetics
Classification: Uncertain significance for Immunodeficiency 104; Hepatitis C virus, susceptibility to. Last evaluated: 2021-11-22. Review status: criteria provided, single submitter. Criteria: ACMG Guidelines, 2015. Collection method: clinical testing. Allele origin: unknown.

NM_002838.5(PTPRC):c.982A>G (p.Ile328Val)

Gene: PTPRC (protein tyrosine phosphatase receptor type C; plus strand). Cytogenetic location: 1q32.1.
Variant type: single nucleotide variant.
Coding change: c.982A>G on transcript NM_002838.5 (MANE Select); coding-DNA position 982, A replaced by G.
Protein change: p.Ile328Val; replaces isoleucine 328 with valine.
Molecular consequence: missense variant.
Genome position (GRCh38, 1-based): chr1:198,708,210, A>G. VCF-style: chr1-198708210-A-G. GRCh37 (hg19) VCF-style: chr1-198677339-A-G.
Other names: c.499A>G, p.Ile167Val (NM_080921.4); short protein forms I328V, I167V.
Identifiers: ClinVar variation 440228 (VCV000440228.20), dbSNP rs41314039, ClinGen allele CA1314657.
Genomic context (GRCh38, chr1:198,708,210, plus strand): 5'-TTACATGATTGTACACAAGTTGAAAAAGCAGATACTACTATTTGTTTAAAATGGAAAAAT[A>G]TTGAAACCTTTACTTGTGATACACAGAATATTACCTACAGATTTCAGTGTGGTAAGAATA-3'
Protein context (NP_002829.3, residues 318-338): DTTICLKWKN[Ile328Val]ETFTCDTQNI